The following is an entry in ClinVar:

NM_006648.4(WNK2):c.4127C>A (p.Pro1376His)

Gene: WNK2 (WNK lysine deficient protein kinase 2; plus strand). Cytogenetic location: 9q22.31.
Variant type: single nucleotide variant.
Coding change: c.4127C>A on transcript NM_006648.4 (MANE Select); coding-DNA position 4127, C replaced by A.
Protein change: p.Pro1376His; replaces proline 1376 with histidine.
Molecular consequence: missense variant.
Genome position (GRCh38, 1-based): chr9:93,288,881, C>A. VCF-style: chr9-93288881-C-A. GRCh37 (hg19) VCF-style: chr9-96051163-C-A.
Other names: c.4238C>A, p.Pro1413His (NM_001282394.3); short protein forms P1413H, P1376H.
Identifiers: ClinVar variation 3982169 (VCV003982169.1).

ClinVar aggregate classification (germline): Uncertain significance (1 of 4 stars; one submission).

Submission:

Ambry Genetics
Classification: Uncertain significance. Last evaluated: 2025-06-05. Review status: criteria provided, single submitter. Criteria: Ambry Variant Classification Scheme 2023. Collection method: clinical testing. Allele origin: germline.
Comment: The p.P1376H variant (also known as c.4127C>A), located in coding exon 19 of the WNK2 gene, results from a C to A substitution at nucleotide position 4127. The proline at codon 1376 is replaced by histidine, an amino acid with similar properties. This amino acid position is conserved. In addition, this alteration is predicted to be tolerated by in silico analysis. Based on the available evidence, the clinical significance of this variant remains unclear.